The following is an entry in ClinVar:

NM_004656.4(BAP1):c.566A>G (p.Tyr189Cys)

Gene: BAP1 (BRCA1 associated deubiquitinase 1; minus strand). Cytogenetic location: 3p21.1.
Variant type: single nucleotide variant.
Coding change: c.566A>G on transcript NM_004656.4 (MANE Select); coding-DNA position 566, A replaced by G.
Protein change: p.Tyr189Cys; replaces tyrosine 189 with cysteine.
Molecular consequence: missense variant.
Genome position (GRCh38, 1-based): chr3:52,407,188, T>C on the plus strand (A>G on the coding strand, the complement: BAP1 is on the minus strand). VCF-style: chr3-52407188-T-C. GRCh37 (hg19) VCF-style: chr3-52441204-T-C.
Other names: short protein forms Y189C.
Identifiers: ClinVar variation 643642 (VCV000643642.13), dbSNP rs1578226365, ClinGen allele CA353109519.

ClinVar aggregate classification (germline): Uncertain significance. Review status: criteria provided, multiple submitters, no conflicts (2 of 4 stars). 4 submissions from 4 submitters: Uncertain significance (4). Last evaluated 2025-12-29.

Conditions:
Hereditary cancer-predisposing syndrome. Also called: Neoplastic Syndromes, Hereditary; Tumor predisposition; Hereditary neoplastic syndrome; Hereditary Cancer Syndrome. Identifiers: Orphanet 140162, MedGen C0027672, MeSH D009386, MONDO:0015356.
BAP1-related tumor predisposition syndrome (TPDS1). Also called: COMMON Syndrome; TUMOR PREDISPOSITION SYNDROME 1; BAP1 tumor predisposition syndrome; Tumor susceptibility linked to germline BAP1 mutations. Identifiers: Orphanet 289539, MedGen C3280492, MONDO:0013692, OMIM 614327.

Submissions (4):

Center for Genomic Medicine, Rigshospitalet, Copenhagen University Hospital
Classification: Uncertain significance. Last evaluated: 2025-12-29. Review status: criteria provided, single submitter. Criteria: ACMG Guidelines, 2015. Collection method: clinical testing. Allele origin: germline.

Ambry Genetics
Classification: Uncertain significance for Hereditary cancer-predisposing syndrome. Last evaluated: 2024-12-19. Review status: criteria provided, single submitter. Criteria: Ambry Variant Classification Scheme 2023. Collection method: clinical testing. Allele origin: germline.
Comment: The p.Y189C variant (also known as c.566A>G), located in coding exon 7 of the BAP1 gene, results from an A to G substitution at nucleotide position 566. The tyrosine at codon 189 is replaced by cysteine, an amino acid with highly dissimilar properties. This amino acid position is highly conserved in available vertebrate species. In addition, the in silico prediction for this alteration is inconclusive. Based on the available evidence, the clinical significance of this variant remains unclear.

Labcorp Genetics (formerly Invitae), Labcorp
Classification: Uncertain significance for BAP1-related tumor predisposition syndrome. Last evaluated: 2024-12-12. Review status: criteria provided, single submitter. Criteria: Invitae Variant Classification Sherloc (09022015). Collection method: clinical testing. Allele origin: germline.
Comment: This sequence change replaces tyrosine, which is neutral and polar, with cysteine, which is neutral and slightly polar, at codon 189 of the BAP1 protein (p.Tyr189Cys). This variant is not present in population databases (gnomAD no frequency). This variant has not been reported in the literature in individuals affected with BAP1-related conditions. ClinVar contains an entry for this variant (Variation ID: 643642). Invitae Evidence Modeling of protein sequence and biophysical properties (such as structural, functional, and spatial information, amino acid conservation, physicochemical variation, residue mobility, and thermodynamic stability) indicates that this missense variant is expected to disrupt BAP1 protein function with a positive predictive value of 80%. RNA analysis performed to evaluate the impact of this missense change on mRNA splicing indicates it does not significantly alter splicing (internal data). In summary, the available evidence is currently insufficient to determine the role of this variant in disease. Therefore, it has been classified as a Variant of Uncertain Significance.

Genetic Services Laboratory, University of Chicago
Classification: Uncertain significance. Last evaluated: 2019-06-24. Review status: criteria provided, single submitter. Criteria: ACMG Guidelines, 2015. Collection method: clinical testing. Allele origin: germline. Affected: no.